The following is an entry in ClinVar:

NM_000051.4(ATM):c.4994_4999del (p.Lys1665_Val1667delinsIle)

Gene: ATM (ATM serine/threonine kinase; plus strand). Cytogenetic location: 11q22.3.
Variant type: Deletion.
Coding change: c.4994_4999del on transcript NM_000051.4 (MANE Select); coding-DNA positions 4994 to 4999, 6 bases deleted (AAGAAG; older notation c.4994_4999delAAGAAG).
Protein change: p.Lys1665_Val1667delinsIle.
Molecular consequence: inframe indel.
Genome position (GRCh38, 1-based): chr11:108,297,371-108,297,376, AAGAAG deleted. VCF-style (leftmost placement, unchanged base first): chr11-108297370-AAAGAAG-A. GRCh37 (hg19) VCF-style: chr11-108168097-AAAGAAG-A.
Other names: c.4994_4999del, p.Lys1665_Val1667delinsIle (NM_001351834.2).
Identifiers: ClinVar variation 2568227 (VCV002568227.2), dbSNP rs2546955351, ClinGen allele CA2580616449.

ClinVar aggregate classification (germline): Uncertain significance (1 of 4 stars; one submission).

Conditions:
Hereditary cancer-predisposing syndrome. Also called: Hereditary neoplastic syndrome; Hereditary Cancer Syndrome; Neoplastic Syndromes, Hereditary; Tumor predisposition. Identifiers: Orphanet 140162, MedGen C0027672, MeSH D009386, MONDO:0015356.

Submission:

Ambry Genetics
Classification: Uncertain significance for Hereditary cancer-predisposing syndrome. Last evaluated: 2023-06-02. Review status: criteria provided, single submitter. Criteria: Ambry Variant Classification Scheme 2023. Collection method: clinical testing. Allele origin: germline.
Comment: The c.4994_4999delAAGAAG variant (also known as p.K1665_V1667delinsI) is located in coding exon 32 of the ATM gene. This variant results from an in-frame AAGAAG deletion at nucleotide positions 4994 to 4999. The lysine, glutamic acid, and valine residues at codons 1665 to 1667 are replaced by isoleucine. This amino acid region is generally well conserved in available vertebrate species. In addition, the in silico prediction for this alteration is inconclusive (Choi Y et al. PLoS ONE. 2012; 7(10):e46688). Since supporting evidence is limited at this time, the clinical significance of this alteration remains unclear.